The following is an entry in ClinVar:

ClinVar aggregate classification (germline): Uncertain significance. Review status: criteria provided, multiple submitters, no conflicts (2 of 4 stars). 5 submissions from 5 submitters: Uncertain significance (4). 1 of the submissions does not count toward it. Last evaluated 2025-12-01.

Conditions:
Cardiovascular phenotype. Identifiers: MedGen CN230736.
Walker-Warburg congenital muscular dystrophy. Also called: Muscular dystrophy-dystroglycanopathy, type A; Walker-Warburg syndrome. Identifiers: Orphanet 899, MedGen C0265221, MONDO:0000171.
Muscular dystrophy-dystroglycanopathy (congenital with brain and eye anomalies), type A, 4 (MDDGA4). Also called: WALKER-WARBURG SYNDROME OR MUSCLE-EYE-BRAIN DISEASE, FKTN-RELATED; Muscular dystrophy, congenital progressive, with mental retardation; Muscular dystrophy, congenital, with central nervous system involvement; Cerebromuscular dystrophy, Fukuyama type; Walker-Warburg Syndrome, Fktn-Related; Congenital muscular dystrophy-dystroglycanopathy with brain and eye anomalies, type A4. Identifiers: Orphanet 272, Orphanet 588, Orphanet 899, MedGen C0410174, MONDO:0009678, OMIM 253800.

Allele frequency attached by ClinVar (database versions not stated): ExAC 0.00002; gnomAD exomes below 0.00001 and 0.00002; TOPMed below 0.00001; gnomAD 0.00001.

Submissions (5):

3billion
Classification: Uncertain significance for Muscular dystrophy-dystroglycanopathy (congenital with brain and eye anomalies), type A, 4. Last evaluated: 2025-12-01. Review status: criteria provided, single submitter. Criteria: ACMG Guidelines, 2015. Collection method: clinical testing. Allele origin: germline. Affected: yes.
Comment: The variant is observed at an extremely low frequency in the gnomAD v4.1.0 dataset (total allele frequency: <0.001%). Predicted Consequence/Location: Missense variant. The majority of the known disease-causing variants of this gene are variants expected to result in premature termination of the protein. Damaging effect on gene or gene product predicted by in silico programs is uncertain [REVEL: 0.17 (damaging >=0.6, benign <0.4), 3Cnet: 0.48 (damaging >0.75, benign <0.1)]. The variant has been reported as of uncertain significance (ClinVar ID: VCV000643177; PMID: 33057194; 3billion dataset). Therefore, this variant is classified as VUS according to the recommendation of ACMG/AMP guideline.

Ambry Genetics
Classification: Uncertain significance for Cardiovascular phenotype. Last evaluated: 2025-12-01. Review status: criteria provided, single submitter. Criteria: Ambry Variant Classification Scheme 2023. Collection method: clinical testing. Allele origin: germline.
Comment: The p.I195T variant (also known as c.584T>C), located in coding exon 4 of the FKTN gene, results from a T to C substitution at nucleotide position 584. The isoleucine at codon 195 is replaced by threonine, an amino acid with similar properties. This amino acid position is poorly conserved in available vertebrate species. In addition, this alteration is predicted to be tolerated by in silico analysis. Since supporting evidence is limited at this time, the clinical significance of this alteration remains unclear.

Labcorp Genetics (formerly Invitae), Labcorp
Classification: Uncertain significance for Walker-Warburg congenital muscular dystrophy. Last evaluated: 2024-06-17. Review status: criteria provided, single submitter. Criteria: Invitae Variant Classification Sherloc (09022015). Collection method: clinical testing. Allele origin: germline.
Comment: This sequence change replaces isoleucine, which is neutral and non-polar, with threonine, which is neutral and polar, at codon 195 of the FKTN protein (p.Ile195Thr). This variant is present in population databases (rs753503050, gnomAD 0.01%). This variant has not been reported in the literature in individuals affected with FKTN-related conditions. ClinVar contains an entry for this variant (Variation ID: 643177). Advanced modeling of protein sequence and biophysical properties (such as structural, functional, and spatial information, amino acid conservation, physicochemical variation, residue mobility, and thermodynamic stability) performed at Invitae indicates that this missense variant is not expected to disrupt FKTN protein function with a negative predictive value of 80%. In summary, the available evidence is currently insufficient to determine the role of this variant in disease. Therefore, it has been classified as a Variant of Uncertain Significance.

GeneDx
Classification: Uncertain significance. Last evaluated: 2021-03-16. Review status: criteria provided, single submitter. Criteria: GeneDx Variant Classification Process June 2021. Collection method: clinical testing. Allele origin: germline. Affected: yes.
Comment: In silico analysis supports that this missense variant does not alter protein structure/function; Has not been previously published as pathogenic or benign to our knowledge

Natera, Inc.
Classification: Uncertain significance for Walker-Warburg congenital muscular dystrophy. Last evaluated: 2020-12-04. Review status: no assertion criteria provided. Collection method: clinical testing. Allele origin: germline. Not counted in ClinVar's aggregate classification.

NM_001079802.2(FKTN):c.584T>C (p.Ile195Thr)

Gene: FKTN (fukutin; plus strand). Cytogenetic location: 9q31.2.
Variant type: single nucleotide variant.
Coding change: c.584T>C on transcript NM_001079802.2 (MANE Select); coding-DNA position 584, T replaced by C.
Protein change: p.Ile195Thr; replaces isoleucine 195 with threonine.
Molecular consequence: missense variant. On other transcripts: non-coding transcript variant (2).
Genome position (GRCh38, 1-based): chr9:105,604,429, T>C. VCF-style: chr9-105604429-T-C. GRCh37 (hg19) VCF-style: chr9-108366710-T-C.
Other names: c.584T>C, p.Ile195Thr (NM_001198963.2, NM_001351496.2, NM_001351498.2 and 1 more transcripts); c.515T>C, p.Ile172Thr (NM_001351497.2); c.188T>C, p.Ile63Thr (NM_001351499.2, NM_001351500.2, NM_001351501.2 and 1 more transcripts); short protein forms I195T, I63T, I172T.
Identifiers: ClinVar variation 643177 (VCV000643177.16), dbSNP rs753503050, ClinGen allele CA5170440.
Genomic context (GRCh38, chr9:105,604,429, plus strand): 5'-TCTTTCATGAGAGGAGTGGCAACTACCTCTGGCACGGCCACTTGAGACTTAAAGAACACA[T>C]TGACAGGAAATTTGTTCCCTTCCGAAAGTTACAGTTTGGTCGTTATCCAGGAGCTTTTGA-3'
Protein context (NP_001073270.1, residues 185-205): WHGHLRLKEH[Ile195Thr]DRKFVPFRKL